The following is an entry in ClinVar:

NM_001197104.2(KMT2A):c.8200A>T (p.Thr2734Ser)

Gene: KMT2A (lysine methyltransferase 2A; plus strand). Cytogenetic location: 11q23.3.
Variant type: single nucleotide variant.
Coding change: c.8200A>T on transcript NM_001197104.2 (MANE Select); coding-DNA position 8200, A replaced by T.
Protein change: p.Thr2734Ser; replaces threonine 2734 with serine.
Molecular consequence: missense variant.
Genome position (GRCh38, 1-based): chr11:118,504,092, A>T. VCF-style: chr11-118504092-A-T. GRCh37 (hg19) VCF-style: chr11-118374807-A-T.
Other names: c.8290A>T, p.Thr2764Ser (NM_001412597.1); c.8191A>T, p.Thr2731Ser (NM_005933.4); short protein forms T2731S, T2734S, T2764S.
Identifiers: ClinVar variation 3369599 (VCV003369599.1).
Genomic context (GRCh38, chr11:118,504,092, plus strand): 5'-CTTCCAAAAATCTCACAGTTGGATGGTGTTGATGATGGGACAGAGAGTGATACTAGTGTC[A>T]CAGCCACAACAAGGAAAAGCAGCCAGATTCCAAAAAGAAATGGTAAAGAAAATGGAACAG-3'
Protein context (NP_001184033.1, residues 2724-2744): DDGTESDTSV[Thr2734Ser]ATTRKSSQIP

ClinVar aggregate classification (germline): Uncertain significance (1 of 4 stars; one submission).

gnomAD v4.1: 1 of 1,613,852 alleles (0.000062%); highest among the groups gnomAD compares: African/African-American, 0.0013%; no homozygotes.

Submission:

GeneDx
Classification: Uncertain significance. Last evaluated: 2024-02-22. Review status: criteria provided, single submitter. Criteria: GeneDx Variant Classification Process June 2021. Collection method: clinical testing. Allele origin: germline. Affected: yes.
Comment: Not observed at significant frequency in large population cohorts (gnomAD); In silico analysis supports that this missense variant does not alter protein structure/function; Has not been previously published as pathogenic or benign to our knowledge